The following is an entry in ClinVar:

ClinVar aggregate classification (germline): Pathogenic (1 of 4 stars; one submission).

Submission:

Labcorp Genetics (formerly Invitae), Labcorp
Classification: Pathogenic. Last evaluated: 2025-08-02. Review status: criteria provided, single submitter. Criteria: Invitae Variant Classification Sherloc (09022015). Collection method: clinical testing. Allele origin: germline.
Comment: This sequence change creates a premature translational stop signal (p.Glu208Aspfs*3) in the LCA5 gene. It is expected to result in an absent or disrupted protein product. Loss-of-function variants in LCA5 are known to be pathogenic (PMID: 17546029, 23946133). This variant is not present in population databases (gnomAD no frequency). This variant has not been reported in the literature in individuals affected with LCA5-related conditions. For these reasons, this variant has been classified as Pathogenic.

Literature cited by the submitters: PubMed 17546029; PubMed 23946133.

NM_001122769.3(LCA5):c.624_625del (p.Glu208fs)

Gene: LCA5 (lebercilin LCA5; minus strand). Cytogenetic location: 6q14.1.
Variant type: Microsatellite.
Coding change: c.624_625del on transcript NM_001122769.3 (MANE Select); coding-DNA positions 624 to 625, 2 bases deleted (GA; older notation c.624_625delGA).
Protein change: p.Glu208fs; shifts the reading frame from glutamic acid 208.
Molecular consequence: frameshift variant.
Genome position (GRCh38, 1-based): chr6:79,513,307-79,513,308, TC deleted on the plus strand (GA on the coding strand, the reverse complement: LCA5 is on the minus strand); deleting any 2 consecutive bases within chr6:79,513,307-79,513,311 gives the same sequence; the c. name uses the placement nearest the transcript's 3' end. VCF-style (leftmost placement, unchanged base first): chr6-79513306-ATC-A. GRCh37 (hg19) VCF-style: chr6-80223023-ATC-A.
Other names: c.624_625del, p.Glu208fs (NM_181714.4); short protein forms E208fs.
Identifiers: ClinVar variation 3647876 (VCV003647876.2).